The following is an entry in ClinVar:

ClinVar aggregate classification (germline): Likely benign. Review status: criteria provided, multiple submitters, no conflicts (2 of 4 stars). 3 submissions from 3 submitters: Likely benign (2). 1 of the submissions does not count toward it. Last evaluated 2025-12-01.

Conditions:
DNAH2-related disorder. Also called: DNAH2-related condition.

Allele frequency attached by ClinVar (database versions not stated): 1000 Genomes Project 30x 0.00062; gnomAD exomes 0.00063; 1000 Genomes Project 0.00080; ExAC 0.00093; gnomAD 0.00097; TOPMed 0.00103; ESP Exome Variant Server 0.00115.
gnomAD v4.1: 1,158 of 1,614,194 alleles (0.072%); highest among the groups gnomAD compares: Middle Eastern, 0.15%; 13 homozygotes.

Submissions (3):

CeGaT Center for Human Genetics Tuebingen
Classification: Likely benign. Last evaluated: 2025-12-01. Review status: criteria provided, single submitter. Criteria: CeGaT Center For Human Genetics Tuebingen Variant Classification Criteria Version 2. Collection method: clinical testing. Allele origin: germline. Affected: yes. Observed: 3 variant alleles.
Comment: DNAH2: BP4, BP7

Blueprint Genetics
Classification: Likely benign. Last evaluated: 2024-10-03. Review status: criteria provided, single submitter. Criteria: ACMG Guidelines, 2015. Collection method: clinical testing. Allele origin: germline.

PreventionGenetics, part of Exact Sciences
Classification: Likely benign for DNAH2-related condition. Last evaluated: 2019-03-05. Review status: no assertion criteria provided. Collection method: clinical testing. Allele origin: germline. Not counted in ClinVar's aggregate classification.
Comment: This variant is classified as likely benign based on ACMG/AMP sequence variant interpretation guidelines (Richards et al. 2015 PMID: 25741868, with internal and published modifications).

NM_020877.5(DNAH2):c.7257G>T (p.Gly2419=)

Gene: DNAH2 (dynein axonemal heavy chain 2; plus strand). Cytogenetic location: 17p13.1.
Variant type: single nucleotide variant.
Coding change: c.7257G>T on transcript NM_020877.5 (MANE Select); coding-DNA position 7257, G replaced by T.
Protein change: p.Gly2419=; no amino-acid change (glycine 2419 retained).
Molecular consequence: synonymous variant.
Genome position (GRCh38, 1-based): chr17:7,792,768, G>T. VCF-style: chr17-7792768-G-T. GRCh37 (hg19) VCF-style: chr17-7696086-G-T.
Other names: c.7257G>T (NM_020877.3).
Identifiers: ClinVar variation 2647379 (VCV002647379.26), dbSNP rs150168099, ClinGen allele CA8358021.